The following is an entry in ClinVar:

ClinVar aggregate classification (germline): Likely pathogenic (1 of 4 stars; one submission).

Conditions:
Kabuki syndrome 1 (KABUK1). Also called: KMT2D-Related Kabuki Syndrome. Identifiers: Orphanet 2322, MedGen CN030661, MONDO:0007843, OMIM 147920.

Submission:

3billion
Classification: Likely pathogenic for Kabuki syndrome 1. Last evaluated: 2024-09-24. Review status: criteria provided, single submitter. Criteria: ACMG Guidelines, 2015. Collection method: clinical testing. Allele origin: germline. Affected: yes.
Comment: The variant is not observed in the gnomAD v4.0.0 dataset. Predicted Consequence/Location: Frameshift: predicted to result in a loss or disruption of normal protein function through nonsense-mediated decay (NMD) or protein truncation. Multiple pathogenic variants are reported downstream of the variant. Therefore, this variant is classified as Likely pathogenic according to the recommendation of ACMG/AMP guideline.

NM_003482.4(KMT2D):c.6307del (p.His2103fs)

Gene: KMT2D (lysine methyltransferase 2D; minus strand). Cytogenetic location: 12q13.12.
Variant type: Deletion.
Coding change: c.6307del on transcript NM_003482.4 (MANE Select); coding-DNA position 6307, one base deleted (C; older notation c.6307delC).
Protein change: p.His2103fs; shifts the reading frame from histidine 2103.
Molecular consequence: frameshift variant.
Genome position (GRCh38, 1-based): chr12:49,041,463, G deleted on the plus strand (C on the coding strand, the reverse complement: KMT2D is on the minus strand). VCF-style (leftmost placement, unchanged base first): chr12-49041462-TG-T. GRCh37 (hg19) VCF-style: chr12-49435245-TG-T.
Other names: short protein forms H2103fs.
Identifiers: ClinVar variation 4293458 (VCV004293458.1).